The following is an entry in ClinVar:

NM_001382567.1(STIM1):c.792-1G>A

Gene: STIM1 (stromal interaction molecule 1; plus strand). Cytogenetic location: 11p15.4.
Variant type: single nucleotide variant.
Coding change: c.792-1G>A on transcript NM_001382567.1 (MANE Select); the canonical splice acceptor site of the intron before coding-DNA position 792, G replaced by A.
Molecular consequence: splice acceptor variant.
Genome position (GRCh38, 1-based): chr11:4,074,501, G>A. VCF-style: chr11-4074501-G-A. GRCh37 (hg19) VCF-style: chr11-4095731-G-A.
Other names: c.570-1G>A (NM_001382578.1, NM_001382575.1, NM_001382576.1 and 5 more transcripts); c.303-1G>A (NM_001382580.1, NM_001382581.1); c.792-1G>A (NM_001382568.1, NM_001277962.2, NM_003156.4 and 2 more transcripts); c.564-1G>A (NM_001382570.1); c.657-1G>A (NM_001382569.1); c.312-1G>A (NM_001382571.1).
Identifiers: ClinVar variation 2091216 (VCV002091216.4), dbSNP rs2498405398, ClinGen allele CA379190127.

ClinVar aggregate classification (germline): Likely pathogenic (1 of 4 stars; one submission).

Conditions:
Stormorken syndrome (STRMK). Also called: THROMBOCYTOPATHY, ASPLENIA, AND MIOSIS. Identifiers: Orphanet 3204, MedGen C1861451, MONDO:0008497, OMIM 185070.
Combined immunodeficiency due to STIM1 deficiency. Also called: IMMUNODEFICIENCY 10; STIM1 DEFICIENCY. Identifiers: Orphanet 169090, Orphanet 317430, MedGen C2748557, MONDO:0013008, OMIM 612783.
Myopathy with tubular aggregates (TAM). Also called: Tubular Aggregate Myopathy. Identifiers: Orphanet 2593, MedGen C0410207, MONDO:0008051.

Submission:

Labcorp Genetics (formerly Invitae), Labcorp
Classification: Likely pathogenic for Myopathy with tubular aggregates; Combined immunodeficiency due to STIM1 deficiency; Stormorken syndrome. Last evaluated: 2022-01-31. Review status: criteria provided, single submitter. Criteria: Invitae Variant Classification Sherloc (09022015). Collection method: clinical testing. Allele origin: germline.
Comment: This sequence change affects an acceptor splice site in intron 6 of the STIM1 gene. It is expected to disrupt RNA splicing. Variants that disrupt the donor or acceptor splice site typically lead to a loss of protein function (PMID: 16199547), and loss-of-function variants in STIM1 are known to be pathogenic (PMID: 19420366, 20876309). This variant is not present in population databases (gnomAD no frequency). This variant has not been reported in the literature in individuals affected with STIM1-related conditions. Algorithms developed to predict the effect of sequence changes on RNA splicing suggest that this variant may disrupt the consensus splice site. In summary, the currently available evidence indicates that the variant is pathogenic, but additional data are needed to prove that conclusively. Therefore, this variant has been classified as Likely Pathogenic.

Literature cited by the submitters: PubMed 16199547; PubMed 19420366; PubMed 20876309.